The following is an entry in ClinVar:

NM_144563.3(RPIA):c.347-1G>A

Gene: RPIA (ribose 5-phosphate isomerase A; plus strand). Cytogenetic location: 2p11.2.
Variant type: single nucleotide variant.
Coding change: c.347-1G>A on transcript NM_144563.3 (MANE Select); the canonical splice acceptor site of the intron before coding-DNA position 347, G replaced by A.
Molecular consequence: splice acceptor variant.
Genome position (GRCh38, 1-based): chr2:88,700,008, G>A. VCF-style: chr2-88700008-G-A. GRCh37 (hg19) VCF-style: chr2-88999526-G-A.
Identifiers: ClinVar variation 928791 (VCV000928791.1), dbSNP rs1422698928, ClinGen allele CA347765752.
Genomic context (GRCh38, chr2:88,700,008, plus strand): 5'-ATGACAAGAAGAATAAAGTAAGGAGAGTGAAAAACTGCCAATATGGCTTTTGTTTCCACA[G>A]CTGAAAGGGTGAAGCAAGAGAATCTGAACCTCGTCTGTATTCCCACTTCCTTCCAGGTAT-3'

ClinVar aggregate classification (germline): Pathogenic (1 of 4 stars; one submission).

Conditions:
Deficiency of ribose-5-phosphate isomerase. Also called: Ribose-5-P isomerase deficiency. Identifiers: Orphanet 440706, MedGen C1291609, MONDO:0012073, OMIM 608611.

Allele frequency attached by ClinVar (database versions not stated): gnomAD exomes below 0.00001; TOPMed below 0.00001.
gnomAD v4.1: 4 of 1,614,176 alleles (0.00025%); highest among the groups gnomAD compares: Non-Finnish European, 0.00034%; no homozygotes.

Submission:

Women's Health and Genetics/Laboratory Corporation of America, LabCorp
Classification: Pathogenic for Deficiency of ribose-5-phosphate isomerase. Last evaluated: 2019-03-19. Review status: criteria provided, single submitter. Criteria: LabCorp Variant Classification Summary - May 2015. Collection method: clinical testing. Allele origin: germline.
Comment: Variant summary: RPIA c.347-1G>A is located in a canonical splice-site and is predicted to affect mRNA splicing resulting in a significantly altered protein due to either exon skipping, shortening, or inclusion of intronic material. Several computational tools predict a significant impact on normal splicing: five predicts the variant abolishes a 3' splicing acceptor site. The variant was absent in 246204 control chromosomes (gnomAD). c.347-1G>A has been reported in the literature in a compound heterozygous individual affected with Ribose 5-phosphate isomerase deficiency, who had significant elevations of ribitol and arabitol (>20x), consistent with this diagnosis (Brooks 2018). No clinical diagnostic laboratories have submitted clinical-significance assessments for this variant to ClinVar after 2014. Based on the evidence outlined above, the variant was classified as pathogenic.

Literature cited by the submitters: PubMed 30088433.